The following is an entry in ClinVar:

NM_005886.3(KATNB1):c.742A>G (p.Ser248Gly)

Gene: KATNB1 (katanin regulatory subunit B1; plus strand). Cytogenetic location: 16q21.
Variant type: single nucleotide variant.
Coding change: c.742A>G on transcript NM_005886.3 (MANE Select); coding-DNA position 742, A replaced by G.
Protein change: p.Ser248Gly; replaces serine 248 with glycine.
Molecular consequence: missense variant.
Genome position (GRCh38, 1-based): chr16:57,752,815, A>G. VCF-style: chr16-57752815-A-G. GRCh37 (hg19) VCF-style: chr16-57786727-A-G.
Other names: short protein forms S248G.
Identifiers: ClinVar variation 2636433 (VCV002636433.2), dbSNP rs1368365597, ClinGen allele CA396069257.
Genomic context (GRCh38, chr16:57,752,815, plus strand): 5'-CGGCCATCTCTCGCCTGGCCCAGGAGCGTCCTCTTCAACCCAGACGGCTGCTGCCTGTAC[A>G]GCGGCTGCCAGGACTCACTGCGTGTCTACGGCTGGGAACCTGAGCGGTGCTTTGATGTGG-3'
Protein context (NP_005877.2, residues 238-258): LFNPDGCCLY[Ser248Gly]GCQDSLRVYG

ClinVar aggregate classification (germline): Uncertain significance (1 of 4 stars; one submission).

Conditions:
KATNB1-related disorder. Also called: KATNB1-related condition.

Allele frequency attached by ClinVar (database versions not stated): gnomAD exomes below 0.00001; gnomAD 0.00001; TOPMed 0.00001.

Submission:

PreventionGenetics, part of Exact Sciences
Classification: Uncertain significance for KATNB1-related condition. Last evaluated: 2026-03-04. Review status: criteria provided, single submitter. Criteria: ACMG Guidelines, 2015. Collection method: clinical testing. Allele origin: germline.
Comment: The KATNB1 c.742A>G variant is predicted to result in the amino acid substitution p.Ser248Gly. To our knowledge, this variant has not been reported in the literature or in a large population database (gnomad), indicating this variant is rare. At this time, the clinical significance of this variant is uncertain due to the absence of conclusive functional and genetic evidence.